The following is an entry in ClinVar:

NM_000533.5(PLP1):c.696+3G>A

Genes: PLP1 (proteolipid protein 1; plus strand), RAB9B (RAB9B, member RAS oncogene family; minus strand). Cytogenetic location: Xq22.2.
Variant type: single nucleotide variant.
Coding change: c.696+3G>A on transcript NM_000533.5 (MANE Select); 3 bases into the intron after coding-DNA position 696, G replaced by A.
Molecular consequence: intron variant.
Genome position (GRCh38, 1-based): chrX:103,788,513, G>A. VCF-style: chrX-103788513-G-A. GRCh37 (hg19) VCF-style: chrX-103043442-G-A.
Other names: c.696+3G>A (NM_001128834.3); c.591+3G>A (NM_199478.3); c.531+3G>A (NM_001305004.1).
Identifiers: ClinVar variation 3693311 (VCV003693311.2).

ClinVar aggregate classification (germline): Uncertain significance (1 of 4 stars; one submission).

Conditions:
Hereditary spastic paraplegia 2 (SPG2). Also called: Spastic Paraplegia 2 (SPG2); SPASTIC PARAPLEGIA 2, X-LINKED. Identifiers: Orphanet 99015, MedGen C0751604, MONDO:0010733, OMIM 312920.

Submission:

Labcorp Genetics (formerly Invitae), Labcorp
Classification: Uncertain significance for Hereditary spastic paraplegia 2. Last evaluated: 2024-06-12. Review status: criteria provided, single submitter. Criteria: Invitae Variant Classification Sherloc (09022015). Collection method: clinical testing. Allele origin: germline.
Comment: This sequence change falls in intron 5 of the PLP1 gene. It does not directly change the encoded amino acid sequence of the PLP1 protein. It affects a nucleotide within the consensus splice site. This variant is not present in population databases (gnomAD no frequency). This variant has not been reported in the literature in individuals affected with PLP1-related conditions. Variants that disrupt the consensus splice site are a relatively common cause of aberrant splicing (PMID: 17576681, 9536098). Algorithms developed to predict the effect of sequence changes on RNA splicing suggest that this variant is not likely to affect RNA splicing. In summary, the available evidence is currently insufficient to determine the role of this variant in disease. Therefore, it has been classified as a Variant of Uncertain Significance.

Literature cited by the submitters: PubMed 17576681; PubMed 9536098.